The following is an entry in ClinVar:

ClinVar aggregate classification (germline): Uncertain significance. Review status: criteria provided, multiple submitters, no conflicts (2 of 4 stars). 2 submissions from 2 submitters: Uncertain significance (2). Last evaluated 2024-12-13.

Conditions:
Hereditary cancer-predisposing syndrome. Also called: Tumor predisposition; Hereditary neoplastic syndrome; Neoplastic Syndromes, Hereditary; Hereditary Cancer Syndrome. Identifiers: Orphanet 140162, MedGen C0027672, MeSH D009386, MONDO:0015356.
Familial cancer of breast. Also called: hereditary breast carcinoma; Hereditary breast cancer; BREAST CANCER, FAMILIAL. Identifiers: Orphanet 227535, MedGen C0346153, MONDO:0016419, OMIM 114480. Disease mechanism: loss of function.

gnomAD v4.1: 1 of 1,613,708 alleles (0.000062%); highest among the groups gnomAD compares: South Asian, 0.0011%; no homozygotes.

Submissions (2):

Ambry Genetics
Classification: Uncertain significance for Hereditary cancer-predisposing syndrome. Last evaluated: 2024-12-13. Review status: criteria provided, single submitter. Criteria: Ambry Variant Classification Scheme 2023. Collection method: clinical testing. Allele origin: germline.
Comment: The p.A392E variant (also known as c.1175C>A), located in coding exon 10 of the CHEK2 gene, results from a C to A substitution at nucleotide position 1175. The alanine at codon 392 is replaced by glutamic acid, an amino acid with dissimilar properties. This amino acid position is highly conserved in available vertebrate species. In addition, this alteration is predicted to be deleterious by in silico analysis. Based on the available evidence, the clinical significance of this variant remains unclear.

Labcorp Genetics (formerly Invitae), Labcorp
Classification: Uncertain significance for Familial cancer of breast. Last evaluated: 2023-06-24. Review status: criteria provided, single submitter. Criteria: Invitae Variant Classification Sherloc (09022015). Collection method: clinical testing. Allele origin: germline.
Comment: In summary, the available evidence is currently insufficient to determine the role of this variant in disease. Therefore, it has been classified as a Variant of Uncertain Significance. An algorithm developed to predict the effect of missense changes on protein structure and function (PolyPhen-2) suggests that this variant is likely to be disruptive. ClinVar contains an entry for this variant (Variation ID: 818496). This variant has not been reported in the literature in individuals affected with CHEK2-related conditions. This variant is not present in population databases (gnomAD no frequency). This sequence change replaces alanine, which is neutral and non-polar, with glutamic acid, which is acidic and polar, at codon 392 of the CHEK2 protein (p.Ala392Glu).

NM_007194.4(CHEK2):c.1175C>A (p.Ala392Glu)

Gene: CHEK2 (checkpoint kinase 2; minus strand). Cytogenetic location: 22q12.1.
Variant type: single nucleotide variant.
Coding change: c.1175C>A on transcript NM_007194.4 (MANE Select); coding-DNA position 1175, C replaced by A.
Protein change: p.Ala392Glu; replaces alanine 392 with glutamic acid.
Molecular consequence: missense variant.
Genome position (GRCh38, 1-based): chr22:28,695,794, G>T on the plus strand (C>A on the coding strand, the complement: CHEK2 is on the minus strand). VCF-style: chr22-28695794-G-T. GRCh37 (hg19) VCF-style: chr22-29091782-G-T.
Other names: c.1304C>A, p.Ala435Glu (NM_001005735.3); c.512C>A, p.Ala171Glu (NM_001257387.3); c.974C>A, p.Ala325Glu (NM_001349956.3); c.1088C>A, p.Ala363Glu (NM_145862.3); short protein forms A392E, A435E, A171E, A363E, A325E.
Identifiers: ClinVar variation 818496 (VCV000818496.10), dbSNP rs373073383, ClinGen allele CA411096818.
Genomic context (GRCh38, chr22:28,695,794, plus strand): 5'-CTCCAGCAGTCCACAGCACGGTTATACCCAGCAGTCCCAACAGAAACAAGAACTTCAGGC[G>T]CCAAGTAGGTGGGGGTTCCACATAAGGTTCTCATGAGAGAGGTCTCTCCCAAAATCTTGG-3'
Protein context (NP_009125.1, residues 382-402): RTLCGTPTYL[Ala392Glu]PEVLVSVGTA